The following is an entry in ClinVar:

ClinVar aggregate classification (germline): Uncertain significance. Review status: criteria provided, multiple submitters, no conflicts (2 of 4 stars). 2 submissions from 2 submitters: Uncertain significance (2). Last evaluated 2025-08-01.

Conditions:
Brugada syndrome. Also called: Sudden Unexplained Death Syndrome; Sudden Unexplained Nocturnal Death Syndrome (SUNDS); Sudden unexpected nocturnal death syndrome; Sudden unexplained nocturnal death syndrome. Identifiers: Orphanet 130, MedGen C1142166, MONDO:0015263.
Brugada syndrome 2 (BRGDA2). Identifiers: Orphanet 130, MedGen C2673193, MONDO:0012728, OMIM 611777.

Allele frequency attached by ClinVar (database versions not stated): TOPMed below 0.00001; ExAC 0.00001; gnomAD 0.00001; gnomAD exomes 0.00001.

Submissions (2):

Labcorp Genetics (formerly Invitae), Labcorp
Classification: Uncertain significance for Brugada syndrome. Last evaluated: 2025-08-01. Review status: criteria provided, single submitter. Criteria: Invitae Variant Classification Sherloc (09022015). Collection method: clinical testing. Allele origin: germline.
Comment: This sequence change replaces glutamic acid, which is acidic and polar, with glycine, which is neutral and non-polar, at codon 161 of the GPD1L protein (p.Glu161Gly). This variant is present in population databases (rs754861753, gnomAD 0.002%). This variant has not been reported in the literature in individuals affected with GPD1L-related conditions. ClinVar contains an entry for this variant (Variation ID: 849031). Invitae Evidence Modeling of protein sequence and biophysical properties (such as structural, functional, and spatial information, amino acid conservation, physicochemical variation, residue mobility, and thermodynamic stability) indicates that this missense variant is not expected to disrupt GPD1L protein function with a negative predictive value of 80%. In summary, the available evidence is currently insufficient to determine the role of this variant in disease. Therefore, it has been classified as a Variant of Uncertain Significance.

Fulgent Genetics
Classification: Uncertain significance for Brugada syndrome 2. Last evaluated: 2021-09-14. Review status: criteria provided, single submitter. Criteria: ACMG Guidelines, 2015. Collection method: clinical testing. Allele origin: unknown.

NM_015141.4(GPD1L):c.482A>G (p.Glu161Gly)

Gene: GPD1L (glycerol-3-phosphate dehydrogenase 1 like; plus strand). Cytogenetic location: 3p22.3.
Variant type: single nucleotide variant.
Coding change: c.482A>G on transcript NM_015141.4 (MANE Select); coding-DNA position 482, A replaced by G.
Protein change: p.Glu161Gly; replaces glutamic acid 161 with glycine.
Molecular consequence: missense variant.
Genome position (GRCh38, 1-based): chr3:32,140,343, A>G. VCF-style: chr3-32140343-A-G. GRCh37 (hg19) VCF-style: chr3-32181835-A-G.
Other names: short protein forms E161G.
Identifiers: ClinVar variation 849031 (VCV000849031.7), dbSNP rs754861753, ClinGen allele CA2296653.